The following is an entry in ClinVar:

NM_001369.3(DNAH5):c.12542G>A (p.Trp4181Ter)

Gene: DNAH5 (dynein axonemal heavy chain 5; minus strand). Cytogenetic location: 5p15.2.
Variant type: single nucleotide variant.
Coding change: c.12542G>A on transcript NM_001369.3 (MANE Select); coding-DNA position 12542, G replaced by A.
Protein change: p.Trp4181Ter; replaces tryptophan 4181 with a stop codon.
Molecular consequence: nonsense.
Genome position (GRCh38, 1-based): chr5:13,717,478, C>T on the plus strand (G>A on the coding strand, the complement: DNAH5 is on the minus strand). VCF-style: chr5-13717478-C-T. GRCh37 (hg19) VCF-style: chr5-13717587-C-T.
Other names: short protein forms W4181*.
Identifiers: ClinVar variation 3640771 (VCV003640771.2).

ClinVar aggregate classification (germline): Pathogenic (1 of 4 stars; one submission).

Conditions:
Primary ciliary dyskinesia. Also called: Ciliary dyskinesia. Identifiers: Orphanet 244, MedGen C0008780, MONDO:0016575, HP:0012265.

Submission:

Labcorp Genetics (formerly Invitae), Labcorp
Classification: Pathogenic for Primary ciliary dyskinesia. Last evaluated: 2024-02-14. Review status: criteria provided, single submitter. Criteria: Invitae Variant Classification Sherloc (09022015). Collection method: clinical testing. Allele origin: germline.
Comment: This sequence change creates a premature translational stop signal (p.Trp4181*) in the DNAH5 gene. It is expected to result in an absent or disrupted protein product. Loss-of-function variants in DNAH5 are known to be pathogenic (PMID: 11788826, 16627867). This variant is not present in population databases (gnomAD no frequency). This variant has not been reported in the literature in individuals affected with DNAH5-related conditions. For these reasons, this variant has been classified as Pathogenic.

Literature cited by the submitters: PubMed 11788826; PubMed 16627867.